The following is an entry in ClinVar:

ClinVar aggregate classification (germline): Uncertain significance. Review status: criteria provided, multiple submitters, no conflicts (2 of 4 stars). 6 submissions from 6 submitters: Uncertain significance (6). Last evaluated 2026-06-30.

Conditions:
ESRRB-related disorder. Also called: ESRRB-related condition.

Allele frequency attached by ClinVar (database versions not stated): gnomAD exomes 0.00006 and 0.00018; gnomAD 0.00009 and 0.00010; ExAC 0.00012; TOPMed 0.00014.
gnomAD v4.1: 98 of 1,613,778 alleles (0.0061%); highest among the groups gnomAD compares: Admixed American, 0.087%; no homozygotes.

Submissions (6):

PreventionGenetics, part of Exact Sciences
Classification: Uncertain significance for ESRRB-related condition. Last evaluated: 2026-06-30. Review status: criteria provided, single submitter. Criteria: ACMG Guidelines, 2015. Collection method: clinical testing. Allele origin: germline.
Comment: The ESRRB c.1114G>A variant is predicted to result in the amino acid substitution p.Glu372Lys. This variant was reported in the heterozygous state along with a second potentially causative ESRRB variant an individual with hearing loss (Table S2, Ma et al. 2023. PubMed ID: 36597107). This variant is reported in 0.11% of alleles in individuals of Latino descent in gnomAD. Although we suspect that this variant may be benign, at this time, the clinical significance of this variant is uncertain due to the absence of conclusive functional and genetic evidence.

GeneDx
Classification: Uncertain significance. Last evaluated: 2025-11-25. Review status: criteria provided, single submitter. Criteria: GeneDx Variant Classification Process June 2021. Collection method: clinical testing. Allele origin: germline. Affected: yes.
Comment: In silico analysis supports that this missense variant has a deleterious effect on protein structure/function; This variant is associated with the following publications: (PMID: 36597107)

Labcorp Genetics (formerly Invitae), Labcorp
Classification: Uncertain significance. Last evaluated: 2025-07-22. Review status: criteria provided, single submitter. Criteria: Invitae Variant Classification Sherloc (09022015). Collection method: clinical testing. Allele origin: germline.
Comment: This sequence change replaces glutamic acid, which is acidic and polar, with lysine, which is basic and polar, at codon 372 of the ESRRB protein (p.Glu372Lys). This variant is present in population databases (rs747893418, gnomAD 0.1%). This missense change has been observed in individual(s) with deafness and/or sensorineural deafness (PMID: 36597107; internal data). ClinVar contains an entry for this variant (Variation ID: 439666). An algorithm developed to predict the effect of missense changes on protein structure and function (PolyPhen-2) suggests that this variant is likely to be tolerated. In summary, the available evidence is currently insufficient to determine the role of this variant in disease. Therefore, it has been classified as a Variant of Uncertain Significance.

Ambry Genetics
Classification: Uncertain significance. Last evaluated: 2024-07-27. Review status: criteria provided, single submitter. Criteria: Ambry Variant Classification Scheme 2023. Collection method: clinical testing. Allele origin: germline.

Blueprint Genetics
Classification: Uncertain significance. Last evaluated: 2024-03-11. Review status: criteria provided, single submitter. Criteria: ACMG Guidelines, 2015. Collection method: clinical testing. Allele origin: germline.

ARUP Laboratories, Molecular Genetics and Genomics, ARUP Laboratories
Classification: Uncertain significance. Last evaluated: 2017-09-08. Review status: criteria provided, single submitter. Criteria: ARUP Molecular Germline Variant Investigation Process. Collection method: clinical testing. Allele origin: germline.
Comment: The p.Glu372Lys variant (rs747893418) has not been reported in the medical literature, gene specific variation databases, nor has it been previously identified by our laboratory. This variant is listed in the Exome Aggregation Consortium Browser with an overall population frequency of 0.012 percent (identified on 14 out of 118,812 chromosomes). The glutamic acid at position 372 is highly conserved up to Zebrafish (considering 12 species) (Alamut v.2.8.1) and computational analyses of the effects of the p.Glu372Lys variant on protein structure and function provide conflicting results (SIFT: damaging, MutationTaster: disease causing, PolyPhen-2: benign). Altogether, there is not enough evidence to classify the p.Glu372Lys variant with certainty.

Literature cited by the submitters: PubMed 36597107 (cited by Labcorp Genetics (formerly Invitae), Labcorp).

NM_001379180.1(ESRRB):c.1177G>A (p.Glu393Lys)

Gene: ESRRB (estrogen related receptor beta; plus strand). Cytogenetic location: 14q24.3.
Variant type: single nucleotide variant.
Coding change: c.1177G>A on transcript NM_001379180.1 (MANE Select); coding-DNA position 1177, G replaced by A.
Protein change: p.Glu393Lys; replaces glutamic acid 393 with lysine.
Molecular consequence: missense variant.
Genome position (GRCh38, 1-based): chr14:76,498,270, G>A. VCF-style: chr14-76498270-G-A. GRCh37 (hg19) VCF-style: chr14-76964613-G-A.
Other names: c.1114G>A, p.Glu372Lys (NM_004452.4); short protein forms E372K, E393K.
Identifiers: ClinVar variation 439666 (VCV000439666.21), dbSNP rs747893418, ClinGen allele CA7281792.